The following is an entry in ClinVar:

ClinVar aggregate classification (germline): Likely benign. Review status: criteria provided, multiple submitters, no conflicts (2 of 4 stars). 2 submissions from 2 submitters: Likely benign (2). Last evaluated 2026-02-01.

Allele frequency attached by ClinVar (database versions not stated): ESP Exome Variant Server 0.00008; gnomAD 0.00003; TOPMed 0.00007; ExAC 0.00007.
gnomAD v4.1: 63 of 1,612,520 alleles (0.0039%); highest among the groups gnomAD compares: Middle Eastern, 0.017%; no homozygotes.

Submissions (2):

CeGaT Center for Human Genetics Tuebingen
Classification: Likely benign. Last evaluated: 2026-02-01. Review status: criteria provided, single submitter. Criteria: CeGaT Center For Human Genetics Tuebingen Variant Classification Criteria Version 2. Collection method: clinical testing. Allele origin: germline. Affected: yes. Observed: 1 variant allele.
Comment: NUP62: BP4, BP7

Labcorp Genetics (formerly Invitae), Labcorp
Classification: Likely benign. Last evaluated: 2025-08-21. Review status: criteria provided, single submitter. Criteria: Invitae Variant Classification Sherloc (09022015). Collection method: clinical testing. Allele origin: germline.

NM_016553.5(NUP62):c.795C>T (p.Ser265=)

Genes: IL4I1 (interleukin 4 induced 1; minus strand), NUP62 (nucleoporin 62; minus strand). Cytogenetic location: 19q13.33.
Variant type: single nucleotide variant.
Coding change: c.795C>T on transcript NM_016553.5 (MANE Select); coding-DNA position 795, C replaced by T.
Protein change: p.Ser265=; no amino-acid change (serine 265 retained).
Molecular consequence: synonymous variant. On other transcripts: intron variant (3).
Genome position (GRCh38, 1-based): chr19:49,909,013, G>A on the plus strand (C>T on the coding strand, the complement: NUP62 is on the minus strand). VCF-style: chr19-49909013-G-A. GRCh37 (hg19) VCF-style: chr19-50412270-G-A.
Other names: c.795C>T, p.Ser265= (NM_001193357.2, NM_012346.5, NM_153718.4 and 1 more transcripts); c.-227-4692C>T (NM_001258017.2, NM_172374.3); c.-285-4692C>T (NM_001258018.2).
Identifiers: ClinVar variation 750243 (VCV000750243.13), dbSNP rs372176952, ClinGen allele CA9589048.